The following is an entry in ClinVar:

ClinVar aggregate classification (germline): Likely benign. Review status: criteria provided, multiple submitters, no conflicts (2 of 4 stars). 2 submissions from 2 submitters: Likely benign (2). Last evaluated 2023-09-01.

Allele frequency attached by ClinVar (database versions not stated): TOPMed 0.00088; 1000 Genomes Project 0.00100; 1000 Genomes Project 30x 0.00109.

Submissions (2):

CeGaT Center for Human Genetics Tuebingen
Classification: Likely benign. Last evaluated: 2023-09-01. Review status: criteria provided, single submitter. Criteria: CeGaT Center For Human Genetics Tuebingen Variant Classification Criteria Version 2. Collection method: clinical testing. Allele origin: germline. Affected: yes. Observed: 1 variant allele.
Comment: TOP2A: BP4

Labcorp Genetics (formerly Invitae), Labcorp
Classification: Likely benign. Last evaluated: 2019-12-31. Review status: criteria provided, single submitter. Criteria: Invitae Variant Classification Sherloc (09022015). Collection method: clinical testing. Allele origin: germline.

NM_001067.4(TOP2A):c.3590G>A (p.Gly1197Glu)

Gene: TOP2A (DNA topoisomerase II alpha; minus strand). Cytogenetic location: 17q21.2.
Variant type: single nucleotide variant.
Coding change: c.3590G>A on transcript NM_001067.4 (MANE Select); coding-DNA position 3590, G replaced by A.
Protein change: p.Gly1197Glu; replaces glycine 1197 with glutamic acid.
Molecular consequence: missense variant.
Genome position (GRCh38, 1-based): chr17:40,396,413, C>T on the plus strand (G>A on the coding strand, the complement: TOP2A is on the minus strand). VCF-style: chr17-40396413-C-T. GRCh37 (hg19) VCF-style: chr17-38552665-C-T.
Other names: short protein forms G1197E.
Identifiers: ClinVar variation 775383 (VCV000775383.28), dbSNP rs1804537, ClinGen allele CA8543132.